The following is an entry in ClinVar:

ClinVar aggregate classification (germline): Uncertain significance (1 of 4 stars; one submission).

Allele frequency attached by ClinVar (database versions not stated): gnomAD exomes below 0.00001.
gnomAD v4.1: 2 of 1,613,766 alleles (0.00012%); highest among the groups gnomAD compares: Non-Finnish European, 0.00017%; no homozygotes.

Submission:

Labcorp Genetics (formerly Invitae), Labcorp
Classification: Uncertain significance. Last evaluated: 2024-03-16. Review status: criteria provided, single submitter. Criteria: Invitae Variant Classification Sherloc (09022015). Collection method: clinical testing. Allele origin: germline.
Comment: This sequence change replaces serine, which is neutral and polar, with threonine, which is neutral and polar, at codon 448 of the MICAL1 protein (p.Ser448Thr). This variant is not present in population databases (gnomAD no frequency). This variant has not been reported in the literature in individuals affected with MICAL1-related conditions. ClinVar contains an entry for this variant (Variation ID: 2113272). An algorithm developed to predict the effect of missense changes on protein structure and function (PolyPhen-2) suggests that this variant is likely to be tolerated. In summary, the available evidence is currently insufficient to determine the role of this variant in disease. Therefore, it has been classified as a Variant of Uncertain Significance.

NM_022765.4(MICAL1):c.1285T>A (p.Ser429Thr)

Gene: MICAL1 (microtubule associated monooxygenase, calponin and LIM domain containing 1; minus strand). Cytogenetic location: 6q21.
Variant type: single nucleotide variant.
Coding change: c.1285T>A on transcript NM_022765.4 (MANE Select); coding-DNA position 1285, T replaced by A.
Protein change: p.Ser429Thr; replaces serine 429 with threonine.
Molecular consequence: missense variant.
Genome position (GRCh38, 1-based): chr6:109,449,992, A>T on the plus strand (T>A on the coding strand, the complement: MICAL1 is on the minus strand). VCF-style: chr6-109449992-A-T. GRCh37 (hg19) VCF-style: chr6-109771195-A-T.
Other names: c.1027T>A, p.Ser343Thr (NM_001159291.2); c.1342T>A, p.Ser448Thr (NM_001286613.2); short protein forms S448T, S343T, S429T.
Identifiers: ClinVar variation 2113272 (VCV002113272.4), dbSNP rs2482798254, ClinGen allele CA365230483.